The following is an entry in ClinVar:

NM_000169.3(GLA):c.932T>G (p.Leu311Arg)

Genes: GLA (galactosidase alpha; minus strand), RPL36A-HNRNPH2 (RPL36A-HNRNPH2 readthrough; plus strand). Cytogenetic location: Xq22.1.
Variant type: single nucleotide variant.
Coding change: c.932T>G on transcript NM_000169.3 (MANE Select); coding-DNA position 932, T replaced by G.
Protein change: p.Leu311Arg; replaces leucine 311 with arginine.
Molecular consequence: missense variant. On other transcripts: non-coding transcript variant (3), intron variant (2).
Genome position (GRCh38, 1-based): chrX:101,398,437, A>C on the plus strand (T>G on the coding strand, the complement: GLA is on the minus strand). VCF-style: chrX-101398437-A-C. GRCh37 (hg19) VCF-style: chrX-100653425-A-C.
Other names: c.1055T>G, p.Leu352Arg (NM_001406747.1); c.932T>G, p.Leu311Arg (NM_001406748.1); c.300+2980A>C (NM_001199973.2); c.177+6615A>C (NM_001199974.2); short protein forms L311R, L352R.
Identifiers: ClinVar variation 4087588 (VCV004087588.2).

ClinVar aggregate classification (germline): Likely pathogenic (1 of 4 stars; one submission).

Conditions:
Fabry disease. Also called: ALPHA-GALACTOSIDASE A DEFICIENCY; ANDERSON-FABRY DISEASE; CERAMIDE TRIHEXOSIDASE DEFICIENCY; GLA DEFICIENCY; HEREDITARY DYSTOPIC LIPIDOSIS; Angiokeratoma corporis diffusum. Identifiers: Orphanet 324, MedGen C0002986, MONDO:0010526, OMIM 301500, HP:0001071. Disease mechanism: Fabry disease is due to inactivating mutations in the X-linked GLA gene resulting in deficiency of the enzyme Alpha Galactosidase-A., loss of function.

Submission:

Genomenon, Inc
Classification: Likely pathogenic for Fabry disease. Last evaluated: 2026-09-08. Review status: criteria provided, single submitter. Criteria: Genomenon Sequence Variant Interpretation Standards - Updated. Collection method: curation. Allele origin: germline. Affected: yes.
Comment: GLA p.Leu311Arg (c.932T>G) is a missense variant that changes the amino acid at codon 311 from Leucine to Arginine. This variant has been observed in at least one proband with clinical features consistent with Fabry disease (PMID:22878505;21755431;32843101). At least one functional study has demonstrated a substantial alteration in protein function relative to the wild-type (PMID:27657681). It is absent or not present at a significant frequency in gnomAD. In silico models predict that this variant is possibly or probably damaging. In conclusion, we classify GLA p.Leu311Arg (c.932T>G) as a likely pathogenic variant.

Literature cited by the submitters: PubMed 22878505; PubMed 21755431; PubMed 32843101; PubMed 27657681.